The following is an entry in ClinVar:

NM_080425.4(GNAS):c.1164G>A (p.Ala388=)

Gene: GNAS (GNAS complex locus; plus strand). Cytogenetic location: 20q13.32.
Variant type: single nucleotide variant.
Coding change: c.1164G>A on transcript NM_080425.4 (MANE Plus Clinical); coding-DNA position 1164, G replaced by A.
Protein change: p.Ala388=; no amino-acid change (alanine 388 retained).
Molecular consequence: synonymous variant. On other transcripts: missense variant (2), intron variant (3).
Genome position (GRCh38, 1-based): chr20:58,854,429, G>A. VCF-style: chr20-58854429-G-A. GRCh37 (hg19) VCF-style: chr20-57429484-G-A.
Other names: c.977G>A, p.Arg326Gln (NM_001077490.3, NM_001309883.1); c.1164G>A, p.Ala388= (NM_001410913.1); c.*42+13543G>A (NM_016592.5); c.43+13543G>A (NM_001410912.1); c.-39+12554G>A (NM_001309861.2); short protein forms R326Q.
Identifiers: ClinVar variation 3038671 (VCV003038671.3), dbSNP rs746212874, ClinGen allele CA316342370.

ClinVar aggregate classification (germline): Uncertain significance (1 of 4 stars; one submission).

Conditions:
GNAS-related disorder. Identifiers: MedGen CN380105.

Allele frequency attached by ClinVar (database versions not stated): TOPMed 0.00006; gnomAD 0.00003; gnomAD exomes 0.00001; 1000 Genomes Project 30x 0.00016.
gnomAD v4.1: 14 of 1,572,176 alleles (0.00089%); highest among the groups gnomAD compares: African/African-American, 0.016%; no homozygotes.

Submission:

PreventionGenetics, part of Exact Sciences
Classification: Uncertain significance for GNAS-related condition. Last evaluated: 2026-05-22. Review status: criteria provided, single submitter. Criteria: ACMG Guidelines, 2015. Collection method: clinical testing. Allele origin: germline.
Comment: The GNAS c.977G>A variant is predicted to result in the amino acid substitution p.Arg326Gln. In an alternative transcript (NM_000516), this variant is precoding (c.-37298G>A). To our knowledge, this variant has not been reported in the literature. This variant is reported in 0.023% of alleles in individuals of African descent in gnomAD. At this time, the clinical significance of this variant is uncertain due to the absence of conclusive functional and genetic evidence.